The following is an entry in ClinVar:

NM_001041.4(SI):c.3099+1G>T

Gene: SI (sucrase-isomaltase; minus strand). Cytogenetic location: 3q26.1.
Variant type: single nucleotide variant.
Coding change: c.3099+1G>T on transcript NM_001041.4 (MANE Select); the canonical splice donor site of the intron after coding-DNA position 3099, G replaced by T.
Molecular consequence: splice donor variant.
Genome position (GRCh38, 1-based): chr3:165,023,569, C>A on the plus strand (G>T on the coding strand, the complement: SI is on the minus strand). VCF-style: chr3-165023569-C-A. GRCh37 (hg19) VCF-style: chr3-164741357-C-A.
Other names: c.3099+1G>T (NM_001041.3).
Identifiers: ClinVar variation 3622883 (VCV003622883.3).

ClinVar aggregate classification (germline): Likely pathogenic. Review status: criteria provided, multiple submitters, no conflicts (2 of 4 stars). 2 submissions from 2 submitters: Likely pathogenic (2). Last evaluated 2025-02-01.

Conditions:
SI-related disorder. Also called: SI-related condition.

gnomAD v4.1: 5 of 1,606,852 alleles (0.00031%); highest among the groups gnomAD compares: African/African-American, 0.0013%; no homozygotes.

Submissions (2):

PreventionGenetics, part of Exact Sciences
Classification: Likely pathogenic for SI-related condition. Last evaluated: 2025-02-01. Review status: criteria provided, single submitter. Criteria: ACMG Guidelines, 2015. Collection method: clinical testing. Allele origin: germline.
Comment: The SI c.3099+1G>T variant is predicted to disrupt the GT donor site and interfere with normal splicing. To our knowledge, this variant has not been reported in the literature. This variant is reported in 0.0062% of alleles in individuals of African descent in gnomAD. Variants that disrupt the consensus splice donor site in SI are expected to be pathogenic. This variant is interpreted as likely pathogenic.

Labcorp Genetics (formerly Invitae), Labcorp
Classification: Likely pathogenic. Last evaluated: 2024-08-29. Review status: criteria provided, single submitter. Criteria: Invitae Variant Classification Sherloc (09022015). Collection method: clinical testing. Allele origin: germline.
Comment: This sequence change affects a donor splice site in intron 26 of the SI gene. It is expected to disrupt RNA splicing. Variants that disrupt the donor or acceptor splice site typically lead to a loss of protein function (PMID: 16199547), and loss-of-function variants in SI are known to be pathogenic (PMID: 16329100, 23103650, 25452324). This variant is present in population databases (no rsID available, gnomAD 0.007%). This variant has not been reported in the literature in individuals affected with SI-related conditions. Algorithms developed to predict the effect of sequence changes on RNA splicing suggest that this variant may disrupt the consensus splice site. In summary, the currently available evidence indicates that the variant is pathogenic, but additional data are needed to prove that conclusively. Therefore, this variant has been classified as Likely Pathogenic.

Literature cited by the submitters: PubMed 16199547 (cited by Labcorp Genetics (formerly Invitae), Labcorp); PubMed 16329100 (cited by Labcorp Genetics (formerly Invitae), Labcorp); PubMed 23103650 (cited by Labcorp Genetics (formerly Invitae), Labcorp); PubMed 25452324 (cited by Labcorp Genetics (formerly Invitae), Labcorp).